The following is an entry in ClinVar:

ClinVar aggregate classification (germline): Pathogenic. Review status: criteria provided, multiple submitters, no conflicts (2 of 4 stars). 2 submissions from 2 submitters: Pathogenic (2). Last evaluated 2026-05-04.

Conditions:
Congenital myotonia, autosomal dominant form (THD). Also called: THOMSEN DISEASE; Myotonia congenita autosomal dominant. Identifiers: Orphanet 614, MedGen C2936781, MONDO:0008055, OMIM 160800.
Congenital myotonia, autosomal recessive form. Also called: Becker Generalized Myotonia; myotonia congenita, autosomal recessive; BECKER DISEASE. Identifiers: Orphanet 614, MedGen C0751360, MONDO:0009715, OMIM 255700.

Allele frequency attached by ClinVar (database versions not stated): gnomAD 0.00001.
gnomAD v4.1: 3 of 1,584,786 alleles (0.00019%); highest among the groups gnomAD compares: Non-Finnish European, 0.000087%; no homozygotes.

Submissions (2):

Division of Neurology, Stellenbosch University
Classification: Pathogenic for Congenital myotonia, autosomal recessive form. Last evaluated: 2026-05-04. Review status: criteria provided, single submitter. Criteria: ACMG Guidelines, 2015. Collection method: research. Allele origin: germline. Inheritance: Autosomal recessive inheritance. Affected: yes. Observed: 1 variant allele.
Comment: PP3_Strong: REVEL score 0.964; PM1_Supporting: Missense variant located in a mutational hot spot and/or critical and well-established functional domain; PM2_Supporting: the highest population allele frequency in gnomAD v4.1 is 0.00003252 (0.003%; 2/61500 alleles in Remaining population); PM3_Supporting: Detected together with a pathogenic variant (NM_000083.3(CLCN1):c.1437_1450del), phase unknown; PM5_Moderate: Missense change at an amino acid residue where a different missense change determined to be pathogenic (NM_000083.3(CLCN1):c.1580T>C) has been seen before. PP2_Supporting: Missense variant in a gene with low rate of benign missense mutations and for which missense mutation is a common mechanism of a disease.

Labcorp Genetics (formerly Invitae), Labcorp
Classification: Pathogenic for Congenital myotonia, autosomal recessive form; Congenital myotonia, autosomal dominant form. Last evaluated: 2025-04-14. Review status: criteria provided, single submitter. Criteria: Invitae Variant Classification Sherloc (09022015). Collection method: clinical testing. Allele origin: germline.
Comment: This sequence change replaces isoleucine, which is neutral and non-polar, with serine, which is neutral and polar, at codon 527 of the CLCN1 protein (p.Ile527Ser). This variant is present in population databases (no rsID available, gnomAD 0.007%). This missense change has been observed in individual(s) with autosomal recessive myotonia congenita (internal data). In at least one individual the data is consistent with being in trans (on the opposite chromosome) from a pathogenic variant. ClinVar contains an entry for this variant (Variation ID: 860935). An algorithm developed to predict the effect of missense changes on protein structure and function (PolyPhen-2) suggests that this variant is likely to be disruptive. Algorithms developed to predict the effect of sequence changes on RNA splicing suggest that this variant may disrupt the consensus splice site. For these reasons, this variant has been classified as Pathogenic.

NM_000083.3(CLCN1):c.1580T>G (p.Ile527Ser)

Gene: CLCN1 (chloride voltage-gated channel 1; plus strand). Cytogenetic location: 7q34.
Variant type: single nucleotide variant.
Coding change: c.1580T>G on transcript NM_000083.3 (MANE Select); coding-DNA position 1580, T replaced by G.
Protein change: p.Ile527Ser; replaces isoleucine 527 with serine.
Molecular consequence: missense variant. On other transcripts: non-coding transcript variant (1).
Genome position (GRCh38, 1-based): chr7:143,339,619, T>G. VCF-style: chr7-143339619-T-G. GRCh37 (hg19) VCF-style: chr7-143036712-T-G.
Other names: short protein forms I527S.
Identifiers: ClinVar variation 860935 (VCV000860935.7), dbSNP rs1319653705, ClinGen allele CA369645982.